The following is an entry in ClinVar:

ClinVar aggregate classification (germline): Benign. Review status: criteria provided, multiple submitters, no conflicts (2 of 4 stars). 2 submissions from 2 submitters: Benign (2). Last evaluated 2018-01-13.

Conditions:
Seizures, benign familial neonatal, 2. Also called: CONVULSIONS, BENIGN FAMILIAL NEONATAL, 2; KCNQ3-Related Self-Limited Familial Neonatal Epilepsy (SLFNE); Benign Neonatal Epilepsy 2; KCNQ3-Related Benign Familial Neonatal Epilepsy; Seizures, benign neonatal, 2. Identifiers: Orphanet 1949, MedGen C1852581, MONDO:0007366, OMIM 121201.

Allele frequency attached by ClinVar (database versions not stated): TOPMed 0.40924; 1000 Genomes Project 0.31090; 1000 Genomes Project 30x 0.31355; gnomAD 0.42748 and 0.43479; gnomAD exomes 0.75000.
gnomAD v4.1: 65,186 of 152,016 alleles (43%); highest among the groups gnomAD compares: Non-Finnish European, 51%; 14,865 homozygotes.

Submissions (2):

Illumina Laboratory Services, Illumina
Classification: Benign for Seizures, benign familial neonatal, 2. Last evaluated: 2018-01-13. Review status: criteria provided, single submitter. Criteria: ICSL Variant Classification Criteria 13 December 2019. Collection method: clinical testing. Allele origin: germline.
Comment: This variant was observed in the ICSL laboratory as part of a predisposition screen in an ostensibly healthy population. It had not been previously curated by ICSL or reported in the Human Gene Mutation Database (HGMD: prior to June 1st, 2018), and was therefore a candidate for classification through an automated scoring system. Utilizing variant allele frequency, disease prevalence and penetrance estimates, and inheritance mode, an automated score was calculated to assess if this variant is too frequent to cause the disease. Based on the score and internal cut-off values, a variant classified as benign is not then subjected to further curation. The score for this variant resulted in a classification of benign for this disease.

Breakthrough Genomics
Classification: Benign. Review status: criteria provided, single submitter. Criteria: ACMG Guidelines, 2015. Collection method: not provided. Allele origin: germline. Inheritance: Autosomal dominant inheritance. Affected: yes.

NM_004519.4(KCNQ3):c.*3977G>A

Gene: KCNQ3 (potassium voltage-gated channel subfamily Q member 3; minus strand). Cytogenetic location: 8q24.22.
Variant type: single nucleotide variant.
Coding change: c.*3977G>A on transcript NM_004519.4 (MANE Select); 3977 bases downstream of the stop codon, G replaced by A.
Molecular consequence: 3 prime UTR variant.
Genome position (GRCh38, 1-based): chr8:132,125,285, C>T on the plus strand (G>A on the coding strand, the complement: KCNQ3 is on the minus strand). VCF-style: chr8-132125285-C-T. GRCh37 (hg19) VCF-style: chr8-133137532-C-T.
Other names: c.*3977G>A (NM_001204824.2).
Identifiers: ClinVar variation 361814 (VCV000361814.7), dbSNP rs2469628, ClinGen allele CA10630188.